The following is an entry in ClinVar:

NM_014714.4(IFT140):c.1682G>A (p.Ser561Asn)

Gene: IFT140 (intraflagellar transport 140; minus strand). Cytogenetic location: 16p13.3.
Variant type: single nucleotide variant.
Coding change: c.1682G>A on transcript NM_014714.4 (MANE Select); coding-DNA position 1682, G replaced by A.
Protein change: p.Ser561Asn; replaces serine 561 with asparagine.
Molecular consequence: missense variant.
Genome position (GRCh38, 1-based): chr16:1,568,305, C>T on the plus strand (G>A on the coding strand, the complement: IFT140 is on the minus strand). VCF-style: chr16-1568305-C-T. GRCh37 (hg19) VCF-style: chr16-1618306-C-T.
Other names: short protein forms S561N.
Identifiers: ClinVar variation 318188 (VCV000318188.18), dbSNP rs8050974, ClinGen allele CA7814176.

ClinVar aggregate classification (germline): Benign. Review status: criteria provided, multiple submitters, no conflicts (2 of 4 stars). 5 submissions from 5 submitters: Benign (5). Last evaluated 2026-02-01.

Conditions:
Saldino-Mainzer syndrome (SRTD9). Also called: Renal dysplasia, retinal pigmentary dystrophy, cerebellar ataxia and skeletal dysplasia; SHORT-RIB THORACIC DYSPLASIA 9 WITHOUT POLYDACTYLY; CONORENAL SYNDROME; short-rib thoracic dysplasia 9 with or without polydactyly. Identifiers: Orphanet 140969, MedGen C1849437, MONDO:0009964, OMIM 266920.

Allele frequency attached by ClinVar (database versions not stated): gnomAD exomes 0.00650; ExAC 0.00801; gnomAD 0.02484 and 0.02675; 1000 Genomes Project 0.02556; TOPMed 0.02660; 1000 Genomes Project 30x 0.02795; ESP Exome Variant Server 0.03039.
gnomAD v4.1: 7,388 of 1,613,808 alleles (0.46%); highest among the groups gnomAD compares: African/African-American, 8.7%; 289 homozygotes.

Submissions (5):

Labcorp Genetics (formerly Invitae), Labcorp
Classification: Benign for Saldino-Mainzer syndrome. Last evaluated: 2026-02-01. Review status: criteria provided, single submitter. Criteria: Invitae Variant Classification Sherloc (09022015). Collection method: clinical testing. Allele origin: germline.

Mayo Clinic Laboratories, Mayo Clinic
Classification: Benign. Last evaluated: 2023-04-10. Review status: criteria provided, single submitter. Criteria: ACMG Guidelines, 2015. Collection method: clinical testing. Allele origin: germline. Observed: 2 variant alleles.

GeneDx
Classification: Benign. Last evaluated: 2021-05-05. Review status: criteria provided, single submitter. Criteria: GeneDx Variant Classification Process June 2021. Collection method: clinical testing. Allele origin: germline. Affected: yes.

Illumina Laboratory Services, Illumina
Classification: Benign for Saldino-Mainzer syndrome. Last evaluated: 2018-01-13. Review status: criteria provided, single submitter. Criteria: ICSL Variant Classification Criteria 13 December 2019. Collection method: clinical testing. Allele origin: germline.
Comment: This variant was observed in the ICSL laboratory as part of a predisposition screen in an ostensibly healthy population. It had not been previously curated by ICSL or reported in the Human Gene Mutation Database (HGMD: prior to June 1st, 2018), and was therefore a candidate for classification through an automated scoring system. Utilizing variant allele frequency, disease prevalence and penetrance estimates, and inheritance mode, an automated score was calculated to assess if this variant is too frequent to cause the disease. Based on the score and internal cut-off values, a variant classified as benign is not then subjected to further curation. The score for this variant resulted in a classification of benign for this disease.

Breakthrough Genomics
Classification: Benign. Review status: criteria provided, single submitter. Criteria: ACMG Guidelines, 2015. Collection method: not provided. Allele origin: germline. Inheritance: Autosomal recessive inheritance. Affected: yes.